The following is an entry in ClinVar:

NM_000548.5(TSC2):c.5356C>T (p.Pro1786Ser)

Gene: TSC2 (TSC complex subunit 2; plus strand). Cytogenetic location: 16p13.3.
Variant type: single nucleotide variant.
Coding change: c.5356C>T on transcript NM_000548.5 (MANE Select); coding-DNA position 5356, C replaced by T.
Protein change: p.Pro1786Ser; replaces proline 1786 with serine.
Molecular consequence: missense variant.
Genome position (GRCh38, 1-based): chr16:2,088,542, C>T. VCF-style: chr16-2088542-C-T. GRCh37 (hg19) VCF-style: chr16-2138543-C-T.
Other names: c.5155C>T, p.Pro1719Ser (NM_001077183.3); c.5287C>T, p.Pro1763Ser (NM_001114382.3); c.5047C>T, p.Pro1683Ser (NM_001318827.2); c.5011C>T, p.Pro1671Ser (NM_001318829.2); c.4624C>T, p.Pro1542Ser (NM_001318831.2); c.5188C>T, p.Pro1730Ser (NM_001318832.2); c.5158C>T, p.Pro1720Ser (NM_001363528.2); c.5224C>T, p.Pro1742Ser (NM_001370404.1); and 2 more; short protein forms P1786S, P1743S, P1671S, P1683S, P1719S, P1730S, P1542S, P1720S.
Identifiers: ClinVar variation 583381 (VCV000583381.15), dbSNP rs371543182, ClinGen allele CA055190.
Genomic context (GRCh38, chr16:2,088,542, plus strand): 5'-CCTCTGGTGCACCCTCCGTCCCATAGCAAAGCCCCTGCACAGACTCCAGCCGAGCCCACA[C>T]CTGGCTATGAGGTGGGCCAGCGGAAGCGCCTCATCTCCTCGGTGGAGGACTTCACCGAGT-3'
Protein context (NP_000539.2, residues 1776-1796): APAQTPAEPT[Pro1786Ser]GYEVGQRKRL

ClinVar aggregate classification (germline): Conflicting classifications of pathogenicity. Review status: criteria provided, conflicting classifications (1 of 4 stars). 7 submissions from 7 submitters: Uncertain significance (5); Benign (1); Likely benign (1). Last evaluated 2025-11-05.

Conditions:
Tuberous sclerosis 2 (TSC2). Identifiers: Orphanet 805, MedGen C1860707, MONDO:0013199, OMIM 613254.
Hereditary cancer-predisposing syndrome. Also called: Neoplastic Syndromes, Hereditary; Hereditary Cancer Syndrome; Tumor predisposition; Hereditary neoplastic syndrome. Identifiers: Orphanet 140162, MedGen C0027672, MeSH D009386, MONDO:0015356.
Lymphangiomyomatosis (LAM). Also called: Lymphangioleiomyomatosis; Lymphangioleiomyomatosis, somatic. Identifiers: Orphanet 538, MedGen C0751674, MONDO:0011705, OMIM 606690.
Isolated focal cortical dysplasia type II (FCORD2). Also called: Focal cortical dysplasia type II; CORTICAL DYSPLASIA OF TAYLOR. Identifiers: Orphanet 268994, MedGen C1846385, MONDO:0011818, OMIM 607341, HP:0032051.
Tuberous sclerosis syndrome (TSC). Also called: Tuberous Sclerosis Complex; Tuberous sclerosis. Identifiers: Orphanet 805, MedGen C0041341, MONDO:0001734.

Allele frequency attached by ClinVar (database versions not stated): ExAC 0.00002; ESP Exome Variant Server 0.00008.
gnomAD v4.1: 41 of 1,612,224 alleles (0.0025%); highest among the groups gnomAD compares: Non-Finnish European, 0.0034%; no homozygotes.

Submissions (7):

Labcorp Genetics (formerly Invitae), Labcorp
Classification: Benign for Tuberous sclerosis 2. Last evaluated: 2025-11-05. Review status: criteria provided, single submitter. Criteria: Invitae Variant Classification Sherloc (09022015). Collection method: clinical testing. Allele origin: germline.

Color Diagnostics, LLC DBA Color Health
Classification: Likely benign for Tuberous sclerosis syndrome. Last evaluated: 2025-06-25. Review status: criteria provided, single submitter. Criteria: ACMG Guidelines, 2015. Collection method: clinical testing. Allele origin: germline.

Quest Diagnostics Nichols Institute San Juan Capistrano
Classification: Uncertain significance. Last evaluated: 2024-10-24. Review status: criteria provided, single submitter. Criteria: Quest Diagnostics criteria. Collection method: clinical testing. Allele origin: unknown.
Comment: The TSC2 c.5356C>T (p.Pro1786Ser) variant has not been reported in individuals with TSC2-related conditions in the published literature. The frequency of this variant in the general population, 0.000027 (3/112482 chromosomes (Genome Aggregation Database)), is uninformative in the assessment of its pathogenicity. Analysis of this variant using bioinformatics tools for the prediction of the effect of amino acid changes on protein structure and function yielded predictions that this variant is benign. Based on the available information, we are unable to determine the clinical significance of this variant.

Women's Health and Genetics/Laboratory Corporation of America, LabCorp
Classification: Uncertain significance. Last evaluated: 2024-02-27. Review status: criteria provided, single submitter. Criteria: LabCorp Variant Classification Summary - May 2015. Collection method: clinical testing. Allele origin: germline.
Comment: Variant summary: TSC2 c.5356C>T (p.Pro1786Ser) results in a non-conservative amino acid change in the encoded protein sequence. Three of four in-silico tools predict a benign effect of the variant on protein function. The variant allele was found at a frequency of 1.2e-05 in 249150 control chromosomes. The available data on variant occurrences in the general population are insufficient to allow any conclusion about variant significance. To our knowledge, no occurrence of c.5356C>T in individuals affected with Tuberous Sclerosis Complex and no experimental evidence demonstrating its impact on protein function have been reported. ClinVar contains an entry for this variant (Variation ID: 583381). Based on the evidence outlined above, the variant was classified as VUS-possibly benign.

Fulgent Genetics
Classification: Uncertain significance for Lymphangiomyomatosis; Isolated focal cortical dysplasia type II; Tuberous sclerosis 2. Last evaluated: 2024-02-22. Review status: criteria provided, single submitter. Criteria: ACMG Guidelines, 2015. Collection method: clinical testing. Allele origin: germline.

Ambry Genetics
Classification: Uncertain significance for Hereditary cancer-predisposing syndrome. Last evaluated: 2024-02-01. Review status: criteria provided, single submitter. Criteria: Ambry Variant Classification Scheme 2023. Collection method: clinical testing. Allele origin: germline.
Comment: The p.P1786S variant (also known as c.5356C>T), located in coding exon 41 of the TSC2 gene, results from a C to T substitution at nucleotide position 5356. The proline at codon 1786 is replaced by serine, an amino acid with similar properties. This amino acid position is not well conserved in available vertebrate species. In addition, the in silico prediction for this alteration is inconclusive. Since supporting evidence is limited at this time, the clinical significance of this alteration remains unclear.

GeneDx
Classification: Uncertain significance. Last evaluated: 2023-03-10. Review status: criteria provided, single submitter. Criteria: GeneDx Variant Classification Process June 2021. Collection method: clinical testing. Allele origin: germline. Affected: yes.
Comment: In silico analysis supports that this missense variant does not alter protein structure/function; Has not been previously published as pathogenic or benign to our knowledge; This variant is associated with the following publications: (PMID: 29973652)

Literature cited by the submitters: PubMed 29973652 (cited by Quest Diagnostics Nichols Institute San Juan Capistrano).